The following is an entry in ClinVar:

NM_000077.5(CDKN2A):c.458-94A>G

Gene: CDKN2A (cyclin dependent kinase inhibitor 2A; minus strand). Cytogenetic location: 9p21.3.
Variant type: single nucleotide variant.
Coding change: c.458-94A>G on transcript NM_000077.5 (MANE Select); 94 bases into the intron before coding-DNA position 458, A replaced by G.
Molecular consequence: intron variant.
Genome position (GRCh38, 1-based): chr9:21,968,336, T>C on the plus strand (A>G on the coding strand, the complement: CDKN2A is on the minus strand). VCF-style: chr9-21968336-T-C. GRCh37 (hg19) VCF-style: chr9-21968335-T-C.
Other names: c.305-94A>G (NM_001363763.2); c.*102-94A>G (NM_058195.4); c.*151-94A>G (NM_001195132.2); c.*381-94A>G (NM_058197.5).
Identifiers: ClinVar variation 4294140 (VCV004294140.1).

ClinVar aggregate classification (germline): Benign (1 of 4 stars; one submission).

Conditions:
Melanoma-pancreatic cancer syndrome. Identifiers: Orphanet 404560, MedGen C1838547, MONDO:0011713, OMIM 606719. Disease mechanism: loss of function.

Submission:

Myriad Genetics, Inc.
Classification: Benign for Melanoma-pancreatic cancer syndrome. Last evaluated: 2025-08-15. Review status: criteria provided, single submitter. Criteria: Myriad Autosomal Dominant, Autosomal Recessive and X-Linked Classification Criteria (2023). Collection method: clinical testing. Allele origin: unknown.
Comment: This variant is considered benign. This variant is intronic and is not expected to impact mRNA splicing.